The following is an entry in ClinVar:

ClinVar aggregate classification (germline): Benign. Review status: criteria provided, multiple submitters, no conflicts (2 of 4 stars). 2 submissions from 2 submitters: Benign (2). Last evaluated 2023-10-01.

Allele frequency attached by ClinVar (database versions not stated): 1000 Genomes Project 30x 0.00234; 1000 Genomes Project 0.00280; TOPMed 0.00577; gnomAD 0.00678 and 0.00701; ExAC 0.00681; gnomAD exomes 0.00685 and 0.00870; ESP Exome Variant Server 0.00740.
gnomAD v4.1: 13,576 of 1,613,910 alleles (0.84%); highest among the groups gnomAD compares: Non-Finnish European, 1%; 69 homozygotes.

Submissions (2):

CeGaT Center for Human Genetics Tuebingen
Classification: Benign. Last evaluated: 2023-10-01. Review status: criteria provided, single submitter. Criteria: CeGaT Center For Human Genetics Tuebingen Variant Classification Criteria Version 2. Collection method: clinical testing. Allele origin: germline. Affected: yes. Observed: 2 variant alleles.
Comment: KIF26B: BP4, BS1, BS2

Labcorp Genetics (formerly Invitae), Labcorp
Classification: Benign. Last evaluated: 2018-05-17. Review status: criteria provided, single submitter. Criteria: Invitae Variant Classification Sherloc (09022015). Collection method: clinical testing. Allele origin: germline.

NM_018012.4(KIF26B):c.6229C>T (p.Leu2077=)

Gene: KIF26B (kinesin family member 26B; plus strand). Cytogenetic location: 1q44.
Variant type: single nucleotide variant.
Coding change: c.6229C>T on transcript NM_018012.4 (MANE Select); coding-DNA position 6229, C replaced by T.
Protein change: p.Leu2077=; no amino-acid change (leucine 2077 retained).
Molecular consequence: synonymous variant.
Genome position (GRCh38, 1-based): chr1:245,702,508, C>T. VCF-style: chr1-245702508-C-T. GRCh37 (hg19) VCF-style: chr1-245865810-C-T.
Identifiers: ClinVar variation 774162 (VCV000774162.27), dbSNP rs61734433, ClinGen allele CA1488898.